The following is an entry in ClinVar:

NM_005869.4(CWC27):c.255T>A (p.Asp85Glu)

Gene: CWC27 (CWC27 spliceosome associated cyclophilin; plus strand). Cytogenetic location: 5q12.3.
Variant type: single nucleotide variant.
Coding change: c.255T>A on transcript NM_005869.4 (MANE Select); coding-DNA position 255, T replaced by A.
Protein change: p.Asp85Glu; replaces aspartic acid 85 with glutamic acid.
Molecular consequence: missense variant.
Genome position (GRCh38, 1-based): chr5:64,783,838, T>A. VCF-style: chr5-64783838-T-A. GRCh37 (hg19) VCF-style: chr5-64079665-T-A.
Other names: c.255T>A, p.Asp85Glu (NM_001297644.1, NM_001297645.2, NM_001318000.2 and 1 more transcripts); short protein forms D85E.
Identifiers: ClinVar variation 2068425 (VCV002068425.4), dbSNP rs1433799113, ClinGen allele CA359843363.

ClinVar aggregate classification (germline): Uncertain significance (1 of 4 stars; one submission).

Allele frequency attached by ClinVar (database versions not stated): gnomAD 0.00001; TOPMed 0.00001.
gnomAD v4.1: 1 of 1,569,784 alleles (0.000064%); highest among the groups gnomAD compares: African/African-American, 0.0014%; no homozygotes.

Submission:

Labcorp Genetics (formerly Invitae), Labcorp
Classification: Uncertain significance. Last evaluated: 2022-08-17. Review status: criteria provided, single submitter. Criteria: Invitae Variant Classification Sherloc (09022015). Collection method: clinical testing. Allele origin: germline.
Comment: This sequence change replaces aspartic acid, which is acidic and polar, with glutamic acid, which is acidic and polar, at codon 85 of the CWC27 protein (p.Asp85Glu). This variant is not present in population databases (gnomAD no frequency). This variant has not been reported in the literature in individuals affected with CWC27-related conditions. Algorithms developed to predict the effect of missense changes on protein structure and function (SIFT, PolyPhen-2, Align-GVGD) all suggest that this variant is likely to be disruptive. Algorithms developed to predict the effect of sequence changes on RNA splicing suggest that this variant may create or strengthen a splice site. In summary, the available evidence is currently insufficient to determine the role of this variant in disease. Therefore, it has been classified as a Variant of Uncertain Significance.